The following is an entry in ClinVar:

ClinVar aggregate classification (germline): Uncertain significance (1 of 4 stars; one submission).

Conditions:
Hypertrophic cardiomyopathy 10. Also called: CARDIOMYOPATHY, HYPERTROPHIC, MID-LEFT VENTRICULAR CHAMBER TYPE, 2; MYL2-Related Familial Hypertrophic Cardiomyopathy. Identifiers: MedGen C1834460, MONDO:0012112, OMIM 608758.

Submission:

Labcorp Genetics (formerly Invitae), Labcorp
Classification: Uncertain significance for Hypertrophic cardiomyopathy 10. Last evaluated: 2022-04-15. Review status: criteria provided, single submitter. Criteria: Invitae Variant Classification Sherloc (09022015). Collection method: clinical testing. Allele origin: germline.
Comment: In summary, the available evidence is currently insufficient to determine the role of this variant in disease. Therefore, it has been classified as a Variant of Uncertain Significance. Algorithms developed to predict the effect of missense changes on protein structure and function are either unavailable or do not agree on the potential impact of this missense change (SIFT: "Tolerated"; PolyPhen-2: "Possibly Damaging"; Align-GVGD: "Class C0"). This variant has not been reported in the literature in individuals affected with MYL2-related conditions. This variant is not present in population databases (gnomAD no frequency). This sequence change replaces threonine, which is neutral and polar, with asparagine, which is neutral and polar, at codon 34 of the MYL2 protein (p.Thr34Asn).

NM_000432.4(MYL2):c.101C>A (p.Thr34Asn)

Gene: MYL2 (myosin light chain 2; minus strand). Cytogenetic location: 12q24.11.
Variant type: single nucleotide variant.
Coding change: c.101C>A on transcript NM_000432.4 (MANE Select); coding-DNA position 101, C replaced by A.
Protein change: p.Thr34Asn; replaces threonine 34 with asparagine.
Molecular consequence: missense variant.
Genome position (GRCh38, 1-based): chr12:110,915,783, G>T on the plus strand (C>A on the coding strand, the complement: MYL2 is on the minus strand). VCF-style: chr12-110915783-G-T. GRCh37 (hg19) VCF-style: chr12-111353587-G-T.
Other names: c.44C>A, p.Thr15Asn (NM_001406916.1); short protein forms T34N, T15N.
Identifiers: ClinVar variation 2126167 (VCV002126167.4), dbSNP rs876657894, ClinGen allele CA386699562.